The following is an entry in ClinVar:

NM_001353921.2(ARHGEF9):c.1479C>T (p.Ile493=)

Gene: ARHGEF9 (Cdc42 guanine nucleotide exchange factor 9; minus strand). Cytogenetic location: Xq11.1.
Variant type: single nucleotide variant.
Coding change: c.1479C>T on transcript NM_001353921.2 (MANE Select); coding-DNA position 1479, C replaced by T.
Protein change: p.Ile493=; no amino-acid change (isoleucine 493 retained).
Molecular consequence: synonymous variant. On other transcripts: 3 prime UTR variant (2).
Genome position (GRCh38, 1-based): chrX:63,638,121, G>A on the plus strand (C>T on the coding strand, the complement: ARHGEF9 is on the minus strand). VCF-style: chrX-63638121-G-A. GRCh37 (hg19) VCF-style: chrX-62858001-G-A.
Other names: c.1299C>T, p.Ile433= (NM_001173479.2); c.1152C>T, p.Ile384= (NM_001173480.2, NM_001369042.1); c.1395C>T, p.Ile465= (NM_001330495.2, NM_001369033.1, NM_001369034.1 and 4 more transcripts); c.1347C>T, p.Ile449= (NM_001353922.2); c.1497C>T, p.Ile499= (NM_001353923.1); c.1278C>T, p.Ile426= (NM_001353924.2, NM_001353926.2, NM_001369039.1 and 1 more transcripts); c.1263C>T, p.Ile421= (NM_001353927.2, NM_001369041.1); c.1326C>T, p.Ile442= (NM_001353928.2); and 3 more.
Identifiers: ClinVar variation 1103597 (VCV001103597.35), dbSNP rs781904925, ClinGen allele CA10431797.
Genomic context (GRCh38, chrX:63,638,121, plus strand): 5'-TTGCCAGAATGGTGACTGGCTGCGCTTGGGTTCGGTGAACTCAAAGACCTGCGACTGAGC[G>A]ATGCCGTCGGGGACCAGGTACTGGCCGTGGTTTAACGGGTCCTGCGGTGGTGGGTAGGAA-3'
Protein context (NP_001340850.1, residues 483-503): NHGQYLVPDG[Ile493=]AQSQVFEFTE

ClinVar aggregate classification (germline): Likely benign. Review status: criteria provided, multiple submitters, no conflicts (2 of 4 stars). 4 submissions from 4 submitters: Likely benign (4). Last evaluated 2026-02-02.

Conditions:
Developmental and epileptic encephalopathy, 8 (DEE8). Also called: HYPEREKPLEXIA AND EPILEPSY. Identifiers: Orphanet 163985, Orphanet 2076, MedGen C1845102, MONDO:0010375, OMIM 300607.

Allele frequency attached by ClinVar (database versions not stated): gnomAD exomes 0.00001 and 0.00002; TOPMed 0.00001; ExAC 0.00002.
gnomAD v4.1: 17 of 1,207,455 alleles (0.0014%); highest among the groups gnomAD compares: Non-Finnish European, 0.0017%; no homozygotes.

Submissions (4):

Labcorp Genetics (formerly Invitae), Labcorp
Classification: Likely benign for Developmental and epileptic encephalopathy, 8. Last evaluated: 2026-02-02. Review status: criteria provided, single submitter. Criteria: Invitae Variant Classification Sherloc (09022015). Collection method: clinical testing. Allele origin: germline.

Women's Health and Genetics/Laboratory Corporation of America, LabCorp
Classification: Likely benign. Last evaluated: 2025-12-23. Review status: criteria provided, single submitter. Criteria: LabCorp Variant Classification Summary - May 2015. Collection method: clinical testing. Allele origin: germline.

Blueprint Genetics
Classification: Likely benign. Last evaluated: 2024-11-07. Review status: criteria provided, single submitter. Criteria: ACMG Guidelines, 2015. Collection method: clinical testing. Allele origin: germline.

CeGaT Center for Human Genetics Tuebingen
Classification: Likely benign. Last evaluated: 2023-10-01. Review status: criteria provided, single submitter. Criteria: CeGaT Center For Human Genetics Tuebingen Variant Classification Criteria Version 2. Collection method: clinical testing. Allele origin: germline. Affected: yes. Observed: 1 variant allele.
Comment: ARHGEF9: BP4, BP7